The following is an entry in ClinVar:

ClinVar aggregate classification (germline): Benign/Likely benign. Review status: criteria provided, multiple submitters, no conflicts (2 of 4 stars). 4 submissions from 4 submitters: Benign (1); Likely benign (3). Last evaluated 2026-01-31.

Conditions:
Inborn genetic diseases. Identifiers: MedGen C0950123, MeSH D030342.
Early-infantile DEE. Also called: Early infantile epileptic encephalopathy; Ohtahara syndrome; Early infantile epileptic encephalopathy with suppression bursts. Identifiers: Orphanet 1934, MedGen C0393706, MONDO:0800491.

Allele frequency attached by ClinVar (database versions not stated): gnomAD exomes 0.00002 and 0.00008; ExAC 0.00008; ESP Exome Variant Server 0.00015; 1000 Genomes Project 30x 0.00016; 1000 Genomes Project 0.00020; TOPMed 0.00030.
gnomAD v4.1: 73 of 1,614,050 alleles (0.0045%); highest among the groups gnomAD compares: African/African-American, 0.08%; no homozygotes.

Submissions (4):

Labcorp Genetics (formerly Invitae), Labcorp
Classification: Benign for Early-infantile DEE. Last evaluated: 2026-01-31. Review status: criteria provided, single submitter. Criteria: Invitae Variant Classification Sherloc (09022015). Collection method: clinical testing. Allele origin: germline.

CeGaT Center for Human Genetics Tuebingen
Classification: Likely benign. Last evaluated: 2025-08-01. Review status: criteria provided, single submitter. Criteria: CeGaT Center For Human Genetics Tuebingen Variant Classification Criteria Version 2. Collection method: clinical testing. Allele origin: germline. Affected: yes. Observed: 1 variant allele.
Comment: SCN1A: BP4, BP7

GeneDx
Classification: Likely benign. Last evaluated: 2019-12-11. Review status: criteria provided, single submitter. Criteria: GeneDx Variant Classification Process June 2021. Collection method: clinical testing. Allele origin: germline. Affected: yes.

Ambry Genetics
Classification: Likely benign for Inborn genetic diseases. Last evaluated: 2017-09-26. Review status: criteria provided, single submitter. Criteria: Ambry Variant Classification Scheme 2023. Collection method: clinical testing. Allele origin: germline.

NM_001165963.4(SCN1A):c.1624C>A (p.Arg542=)

Gene: SCN1A (sodium voltage-gated channel alpha subunit 1; minus strand). Cytogenetic location: 2q24.3.
Variant type: single nucleotide variant.
Coding change: c.1624C>A on transcript NM_001165963.4 (MANE Select); coding-DNA position 1624, C replaced by A.
Protein change: p.Arg542=; no amino-acid change (arginine 542 retained).
Molecular consequence: synonymous variant. On other transcripts: 5 prime UTR variant (1), non-coding transcript variant (1).
Genome position (GRCh38, 1-based): chr2:166,045,081, G>T on the plus strand (C>A on the coding strand, the complement: SCN1A is on the minus strand). VCF-style: chr2-166045081-G-T. GRCh37 (hg19) VCF-style: chr2-166901591-G-T.
Other names: c.1624C>A, p.Arg542= (NM_001165964.3, NM_001202435.3, NM_001353948.2 and 7 more transcripts); c.1621C>A, p.Arg541= (NM_001353954.2, NM_001353955.2, NM_001353960.2); c.-802C>A (NM_001353961.2).
Identifiers: ClinVar variation 386112 (VCV000386112.22), dbSNP rs138877187, ClinGen allele CA1943284.